The following is an entry in ClinVar:

NM_001303.4(COX10):c.1315G>A (p.Gly439Arg)

Gene: COX10 (cytochrome c oxidase assembly factor heme A:farnesyltransferase COX10; plus strand). Cytogenetic location: 17p12.
Variant type: single nucleotide variant.
Coding change: c.1315G>A on transcript NM_001303.4 (MANE Select); coding-DNA position 1315, G replaced by A.
Protein change: p.Gly439Arg; replaces glycine 439 with arginine.
Molecular consequence: missense variant.
Genome position (GRCh38, 1-based): chr17:14,207,196, G>A. VCF-style: chr17-14207196-G-A. GRCh37 (hg19) VCF-style: chr17-14110513-G-A.
Other names: c.1315G>A (NM_001303.3); short protein forms G439R.
Identifiers: ClinVar variation 1713495 (VCV001713495.5), dbSNP rs1388986610, ClinGen allele CA398227003.

ClinVar aggregate classification (germline): Conflicting classifications of pathogenicity. Review status: criteria provided, conflicting classifications (1 of 4 stars). 3 submissions from 3 submitters: Uncertain significance (2); Likely benign (1). Last evaluated 2026-07-10.

Conditions:
Mitochondrial complex IV deficiency, nuclear type 3. Also called: Mitochondrial complex 4 deficiency, nuclear type 3. Identifiers: MedGen C5436682, MONDO:0033635, OMIM 619046.
Inborn genetic diseases. Identifiers: MedGen C0950123, MeSH D030342.

gnomAD v4.1: 6 of 1,597,678 alleles (0.00038%); highest among the groups gnomAD compares: South Asian, 0.0011%; no homozygotes.

Submissions (3):

Ambry Genetics
Classification: Likely benign for Inborn genetic diseases. Last evaluated: 2026-07-10. Review status: criteria provided, single submitter. Criteria: Ambry Variant Classification Scheme 2023. Collection method: clinical testing. Allele origin: germline.

Fulgent Genetics
Classification: Uncertain significance for Mitochondrial complex IV deficiency, nuclear type 3. Last evaluated: 2024-04-05. Review status: criteria provided, single submitter. Criteria: ACMG Guidelines, 2015. Collection method: clinical testing. Allele origin: germline.

Labcorp Genetics (formerly Invitae), Labcorp
Classification: Uncertain significance. Last evaluated: 2022-07-24. Review status: criteria provided, single submitter. Criteria: Invitae Variant Classification Sherloc (09022015). Collection method: clinical testing. Allele origin: germline.
Comment: This sequence change replaces glycine, which is neutral and non-polar, with arginine, which is basic and polar, at codon 439 of the COX10 protein (p.Gly439Arg). This variant is present in population databases (no rsID available, gnomAD 0.001%). This variant has not been reported in the literature in individuals affected with COX10-related conditions. Algorithms developed to predict the effect of missense changes on protein structure and function are either unavailable or do not agree on the potential impact of this missense change (SIFT: "Tolerated"; PolyPhen-2: "Not Available"; Align-GVGD: "Class C0"). In summary, the available evidence is currently insufficient to determine the role of this variant in disease. Therefore, it has been classified as a Variant of Uncertain Significance.